The following is an entry in ClinVar:

NR_033320.3(MIAT):n.5715C>T

Gene: MIAT (myocardial infarction associated transcript; plus strand). Cytogenetic location: 22q12.1.
Variant type: single nucleotide variant.
Molecular consequence: non-coding transcript variant (on NR_033320.3).
Genome position: GRCh38 VCF-style: chr22-26672189-C-T. GRCh37 (hg19) VCF-style: chr22-27068152-C-T.
Identifiers: ClinVar variation 3046181 (VCV003046181.1), dbSNP rs1311858850, ClinGen allele CA514074402.

ClinVar aggregate classification (germline): Benign (1 of 4 stars; one submission).

Conditions:
MIAT-related disorder. Also called: MIAT-related condition.

Allele frequency attached by ClinVar (database versions not stated): gnomAD 0.00001.
gnomAD v4.1: 2 of 399,416 alleles (0.0005%); highest among the groups gnomAD compares: Non-Finnish European, 0.00088%; no homozygotes.

Submission:

PreventionGenetics, part of Exact Sciences
Classification: Benign for MIAT-related condition. Last evaluated: 2019-11-25. Review status: criteria provided, single submitter. Criteria: ACMG Guidelines, 2015. Collection method: clinical testing. Allele origin: germline.
Comment: This variant is classified as benign based on ACMG/AMP sequence variant interpretation guidelines (Richards et al. 2015 PMID: 25741868, with internal and published modifications).